The following is an entry in ClinVar:

NM_004787.4(SLIT2):c.2332C>T (p.His778Tyr)

Gene: SLIT2 (slit guidance ligand 2; plus strand). Cytogenetic location: 4p15.31.
Variant type: single nucleotide variant.
Coding change: c.2332C>T on transcript NM_004787.4 (MANE Select); coding-DNA position 2332, C replaced by T.
Protein change: p.His778Tyr; replaces histidine 778 with tyrosine.
Molecular consequence: missense variant.
Genome position (GRCh38, 1-based): chr4:20,546,086, C>T. VCF-style: chr4-20546086-C-T. GRCh37 (hg19) VCF-style: chr4-20547709-C-T.
Other names: c.2332C>T (NM_004787.1); c.2320C>T, p.His774Tyr (NM_001289135.3); c.2308C>T, p.His770Tyr (NM_001289136.3); short protein forms H774Y, H770Y, H778Y.
Identifiers: ClinVar variation 2052471 (VCV002052471.5), dbSNP rs150077815, ClinGen allele CA2871762.

ClinVar aggregate classification (germline): Uncertain significance. Review status: criteria provided, multiple submitters, no conflicts (2 of 4 stars). 2 submissions from 2 submitters: Uncertain significance (2). Last evaluated 2024-11-25.

Allele frequency attached by ClinVar (database versions not stated): ESP Exome Variant Server 0.00015; TOPMed 0.00006; ExAC 0.00005; gnomAD 0.00006.
gnomAD v4.1: 160 of 1,579,768 alleles (0.01%); highest among the groups gnomAD compares: Non-Finnish European, 0.013%; no homozygotes.

Submissions (2):

Ambry Genetics
Classification: Uncertain significance. Last evaluated: 2024-11-25. Review status: criteria provided, single submitter. Criteria: Ambry Variant Classification Scheme 2023. Collection method: clinical testing. Allele origin: germline.

Labcorp Genetics (formerly Invitae), Labcorp
Classification: Uncertain significance. Last evaluated: 2023-05-08. Review status: criteria provided, single submitter. Criteria: Invitae Variant Classification Sherloc (09022015). Collection method: clinical testing. Allele origin: germline.
Comment: This sequence change replaces histidine, which is basic and polar, with tyrosine, which is neutral and polar, at codon 778 of the SLIT2 protein (p.His778Tyr). This variant is present in population databases (rs150077815, gnomAD 0.006%). This variant has not been reported in the literature in individuals affected with SLIT2-related conditions. ClinVar contains an entry for this variant (Variation ID: 2052471). Algorithms developed to predict the effect of missense changes on protein structure and function output the following: SIFT: "Not Available"; PolyPhen-2: "Benign"; Align-GVGD: "Not Available". The tyrosine amino acid residue is found in multiple mammalian species, which suggests that this missense change does not adversely affect protein function. In summary, the available evidence is currently insufficient to determine the role of this variant in disease. Therefore, it has been classified as a Variant of Uncertain Significance.